The following is an entry in ClinVar:

NM_001690.4(ATP6V1A):c.284T>C (p.Met95Thr)

Gene: ATP6V1A (ATPase H+ transporting V1 subunit A; plus strand). Cytogenetic location: 3q13.31.
Variant type: single nucleotide variant.
Coding change: c.284T>C on transcript NM_001690.4 (MANE Select); coding-DNA position 284, T replaced by C.
Protein change: p.Met95Thr; replaces methionine 95 with threonine.
Molecular consequence: missense variant.
Genome position (GRCh38, 1-based): chr3:113,784,296, T>C. VCF-style: chr3-113784296-T-C. GRCh37 (hg19) VCF-style: chr3-113503143-T-C.
Other names: short protein forms M95T.
Identifiers: ClinVar variation 2630679 (VCV002630679.2), dbSNP rs777035513, ClinGen allele CA2547802.
Genomic context (GRCh38, chr3:113,784,296, plus strand): 5'-TTGGAGATCCTGTACTTCGCACTGGTAAACCCCTCTCTGTAGAGCTTGGTCCTGGCATTA[T>C]GGGAGCCATTTTTGATGGTATTCAAAGACCTTTGTCGGATATCAGCAGTCAGACCCAAAG-3'
Protein context (NP_001681.2, residues 85-105): PLSVELGPGI[Met95Thr]GAIFDGIQRP

ClinVar aggregate classification (germline): Uncertain significance (0 of 4 stars; one submission).

Conditions:
ATP6V1A-related disorder. Also called: ATP6V1A-related condition.

Allele frequency attached by ClinVar (database versions not stated): gnomAD exomes below 0.00001; ExAC 0.00002.
gnomAD v4.1: 2 of 1,614,202 alleles (0.00012%); highest among the groups gnomAD compares: Non-Finnish European, 0.00017%; no homozygotes.

Submission:

PreventionGenetics, part of Exact Sciences
Classification: Uncertain significance for ATP6V1A-related condition. Last evaluated: 2024-05-24. Review status: no assertion criteria provided. Collection method: clinical testing. Allele origin: germline.
Comment: The ATP6V1A c.284T>C variant is predicted to result in the amino acid substitution p.Met95Thr. To our knowledge, this variant has not been reported in the literature. This variant is reported in 0.0018% of alleles in individuals of European (Non-Finnish) descent in gnomAD. A different variant at the same codon (p.Met95Lys) has been reported in the homozygous state in an individual with autosomal recessive metabolic cutis laxa (Vogt et al. 2021. PubMed ID: 33320377). At this time, the clinical significance of this variant is uncertain due to the absence of conclusive functional and genetic evidence.